The following is an entry in ClinVar:

ClinVar aggregate classification (germline): Uncertain significance. Review status: criteria provided, multiple submitters, no conflicts (2 of 4 stars). 3 submissions from 3 submitters: Uncertain significance (2). 1 of the submissions does not count toward it. Last evaluated 2024-10-04.

Conditions:
Pulmonary fibrosis and/or bone marrow failure, Telomere-related, 3. Also called: PULMONARY FIBROSIS AND/OR BONE MARROW FAILURE SYNDROME, TELOMERE-RELATED, 3. Identifiers: Orphanet 2032, MedGen C4225346, MONDO:0014613, OMIM 616373.
Dyskeratosis congenita, autosomal recessive 5 (DKCB5). Identifiers: MedGen C3554656, MONDO:0014076, OMIM 615190.
Inborn genetic diseases. Identifiers: MedGen C0950123, MeSH D030342.
Dyskeratosis congenita. Identifiers: Orphanet 1775, MedGen C0265965, MONDO:0015780.

Allele frequency attached by ClinVar (database versions not stated): gnomAD exomes below 0.00001.
gnomAD v4.1: 3 of 1,613,582 alleles (0.00019%); highest among the groups gnomAD compares: South Asian, 0.0022%; no homozygotes.

Submissions (3):

Ambry Genetics
Classification: Uncertain significance for Inborn genetic diseases. Last evaluated: 2024-10-04. Review status: criteria provided, single submitter. Criteria: Ambry Variant Classification Scheme 2023. Collection method: clinical testing. Allele origin: germline.
Comment: The p.G293D variant (also known as c.878G>A), located in coding exon 9 of the RTEL1 gene, results from a G to A substitution at nucleotide position 878. The glycine at codon 293 is replaced by aspartic acid, an amino acid with similar properties. This amino acid position is conserved. In addition, this alteration is predicted to be tolerated by in silico analysis. Based on the available evidence, the clinical significance of this variant remains unclear.

Labcorp Genetics (formerly Invitae), Labcorp
Classification: Uncertain significance for Dyskeratosis congenita, autosomal recessive 5; Pulmonary fibrosis and/or bone marrow failure, Telomere-related, 3. Last evaluated: 2021-09-01. Review status: criteria provided, single submitter. Criteria: Invitae Variant Classification Sherloc (09022015). Collection method: clinical testing. Allele origin: germline.
Comment: This sequence change replaces glycine with aspartic acid at codon 293 of the RTEL1 protein (p.Gly293Asp). The glycine residue is weakly conserved and there is a moderate physicochemical difference between glycine and aspartic acid. This variant is not present in population databases (ExAC no frequency). This variant has not been reported in the literature in individuals affected with RTEL1-related conditions. Algorithms developed to predict the effect of missense changes on protein structure and function output the following: SIFT: "Tolerated"; PolyPhen-2: "Benign"; Align-GVGD: "Class C0". The aspartic acid amino acid residue is found in multiple mammalian species, which suggests that this missense change does not adversely affect protein function. In summary, the available evidence is currently insufficient to determine the role of this variant in disease. Therefore, it has been classified as a Variant of Uncertain Significance.

Natera, Inc.
Classification: Uncertain significance for Dyskeratosis congenita. Last evaluated: 2021-08-09. Review status: no assertion criteria provided. Collection method: clinical testing. Allele origin: germline. Not counted in ClinVar's aggregate classification.

NM_001283009.2(RTEL1):c.878G>A (p.Gly293Asp)

Genes: RTEL1 (regulator of telomere elongation helicase 1; plus strand), RTEL1-TNFRSF6B (RTEL1-TNFRSF6B readthrough (NMD candidate); plus strand). Cytogenetic location: 20q13.33.
Variant type: single nucleotide variant.
Coding change: c.878G>A on transcript NM_001283009.2 (MANE Select); coding-DNA position 878, G replaced by A.
Protein change: p.Gly293Asp; replaces glycine 293 with aspartic acid.
Molecular consequence: missense variant. On other transcripts: non-coding transcript variant (1).
Genome position (GRCh38, 1-based): chr20:63,674,052, G>A. VCF-style: chr20-63674052-G-A. GRCh37 (hg19) VCF-style: chr20-62305405-G-A.
Other names: c.209G>A, p.Gly70Asp (NM_001283010.1); c.878G>A, p.Gly293Asp (NM_016434.4); c.950G>A, p.Gly317Asp (NM_032957.5); short protein forms G293D, G317D, G70D.
Identifiers: ClinVar variation 999309 (VCV000999309.8), dbSNP rs779999090, ClinGen allele CA409672977.